The following is an entry in ClinVar:

NM_017777.4(MKS1):c.53G>A (p.Arg18Gln)

Genes: MKS1 (MKS transition zone complex subunit 1; minus strand), LOC130061271 (ATAC-STARR-seq lymphoblastoid active region 12461; plus strand). Cytogenetic location: 17q22.
Variant type: single nucleotide variant.
Coding change: c.53G>A on transcript NM_017777.4 (MANE Select); coding-DNA position 53, G replaced by A.
Protein change: p.Arg18Gln; replaces arginine 18 with glutamine.
Molecular consequence: missense variant. On other transcripts: 5 prime UTR variant (1).
Genome position (GRCh38, 1-based): chr17:58,219,178, C>T on the plus strand (G>A on the coding strand, the complement: MKS1 is on the minus strand). VCF-style: chr17-58219178-C-T. GRCh37 (hg19) VCF-style: chr17-56296539-C-T.
Other names: c.-459G>A (NM_001321268.2); c.53G>A, p.Arg18Gln (NM_001321269.2, NM_001330397.2, NM_001411113.1); short protein forms R18Q.
Identifiers: ClinVar variation 2159607 (VCV002159607.2), dbSNP rs2509469359, ClinGen allele CA400328154.

ClinVar aggregate classification (germline): Uncertain significance. Review status: criteria provided, multiple submitters, no conflicts (2 of 4 stars). 2 submissions from 2 submitters: Uncertain significance (2). Last evaluated 2025-03-14.

Conditions:
MKS1-related disorder. Also called: MKS1-related condition; MKS1-related disorders. Identifiers: MedGen CN239382.
Joubert syndrome. Also called: JOUBERT-BOLTSHAUSER SYNDROME; Familial aplasia of the vermis. Identifiers: Orphanet 475, MedGen C5979921, MONDO:0018772.
Meckel-Gruber syndrome. Also called: DYSENCEPHALIA SPLANCHNOCYSTICA; GRUBER SYNDROME; Dysencephalia splachnocystica. Identifiers: Orphanet 564, MedGen C0265215, MONDO:0018921.

Allele frequency attached by ClinVar (database versions not stated): gnomAD exomes below 0.00001.
gnomAD v4.1: 1 of 1,551,296 alleles (0.000064%); highest among the groups gnomAD compares: Non-Finnish European, 0.000087%; no homozygotes.

Submissions (2):

PreventionGenetics, part of Exact Sciences
Classification: Uncertain significance for MKS1-related condition. Last evaluated: 2025-03-14. Review status: criteria provided, single submitter. Criteria: ACMG Guidelines, 2015. Collection method: clinical testing. Allele origin: germline.
Comment: The MKS1 c.53G>A variant is predicted to result in the amino acid substitution p.Arg18Gln. To our knowledge, this variant has not been reported in the literature or in a large population database (gnomAD), indicating this variant is rare. At this time, the clinical significance of this variant is uncertain due to the absence of conclusive functional and genetic evidence.

Labcorp Genetics (formerly Invitae), Labcorp
Classification: Uncertain significance for Joubert syndrome; Meckel-Gruber syndrome. Last evaluated: 2022-08-19. Review status: criteria provided, single submitter. Criteria: Invitae Variant Classification Sherloc (09022015). Collection method: clinical testing. Allele origin: germline.
Comment: This sequence change replaces arginine, which is basic and polar, with glutamine, which is neutral and polar, at codon 18 of the MKS1 protein (p.Arg18Gln). This variant is not present in population databases (gnomAD no frequency). This variant has not been reported in the literature in individuals affected with MKS1-related conditions. Advanced modeling of protein sequence and biophysical properties (such as structural, functional, and spatial information, amino acid conservation, physicochemical variation, residue mobility, and thermodynamic stability) performed at Invitae indicates that this missense variant is not expected to disrupt MKS1 protein function. Algorithms developed to predict the effect of sequence changes on RNA splicing suggest that this variant may create or strengthen a splice site. In summary, the available evidence is currently insufficient to determine the role of this variant in disease. Therefore, it has been classified as a Variant of Uncertain Significance.